The following continues an entry in ClinVar:

NM_000059.4(BRCA2):c.7878G>C (p.Trp2626Cys)

Gene: BRCA2. ClinVar aggregate classification (germline): Pathogenic. Pathogenic (1).

Submissions 19 to 37 of 38:

Baylor Genetics
Classification: Pathogenic for Familial cancer of breast. Last evaluated: 2024-01-22. Review status: criteria provided, single submitter. Criteria: ACMG Guidelines, 2015. Collection method: clinical testing. Allele origin: unknown. Not counted in ClinVar's aggregate classification.

GeneDx
Classification: Pathogenic. Last evaluated: 2023-09-20. Review status: criteria provided, single submitter. Criteria: GeneDx Variant Classification Process June 2021. Collection method: clinical testing. Allele origin: germline. Affected: yes. Not counted in ClinVar's aggregate classification.
Comment: Multifactorial studies suggest this variant is associated with breast and ovarian cancer, but may confer lower risks than typical BRCA2 pathogenic variants (Biswas et al., 2011; Lindor et al., 2012; Pruss et al., 2014; Li et al., 2020; Li et al., 2022); Published functional studies demonstrate a damaging effect: impaired homologous recombination and sensitivity to PARP inhibitors (Biswas et al., 2011; Stoepker et al., 2015; Guidugli et al., 2018; Ikegami et al., 2020; Lee et al., 2021; Iversen et al., 2022); Not observed at significant frequency in large population cohorts (gnomAD); In silico analysis supports that this missense variant has a deleterious effect on protein structure/function; Also known as 8106G>C; This variant is associated with the following publications: (PMID: 23108138, 17924331, 22666503, 20104584, 27194814, 29478780, 31409081, 29446198, 30291343, 12228710, 25146914, 25583207, 16115142, 21719596, 19043619, 24323938, 21520273, 25085752, 16825431, 18951461, 25782689, 27767231, 28315974, 21138478, 26566862, 28866612, 21203900, 21990165, 29339979, 28541631, 30257646, 30728895, 29988080, 30720243, 31853058, 30696104, 32444794, 29884841, 31263571, 30702160, 31825140, 32719484, 29625052, 32885271, 32853339, 30787465, 32295079, 34906479, 34680878, 29394989, 21990134, 15070707, 29922827, 31794323, 35665744, 33978741, 34308104)

Clinical Genetics Laboratory, Skane University Hospital Lund
Classification: Pathogenic. Last evaluated: 2022-10-06. Review status: criteria provided, single submitter. Criteria: ACMG Guidelines, 2015. Collection method: clinical testing. Allele origin: germline. Affected: yes. Not counted in ClinVar's aggregate classification.

Quest Diagnostics Nichols Institute San Juan Capistrano
Classification: Pathogenic. Last evaluated: 2022-06-03. Review status: criteria provided, single submitter. Criteria: Quest Diagnostics criteria. Collection method: clinical testing. Allele origin: unknown. Not counted in ClinVar's aggregate classification.
Comment: The frequency of this variant in the general population, 0.000008 (2/251276 chromosomes), is uninformative in assessment of its pathogenicity. In the published literature, this variant is described as a pathogenic variant with reduced penetrance, carrying a lower breast cancer risk than other BRCA2 pathogenic variants (PMID: 34906479 (2022)). It has been reported in individuals or families with breast cancer (PMIDs: 34680878 (2021), 34906479 (2022), 30728895 (2019), 30257646 (2018), 29339979 (2018), 27194814 (2016), 26014432 (2015), 22666503 (2012), 21203900 (2011)) or prostate cancer (PMID: 32853339 (2021)). This variant has also been reported in trans with a second pathogenic BRCA2 variant in patients with Fanconi anemia (PMIDs: 21138478 (2011), 15070707 (2004)). Published functional studies indicate that this variant impairs BRCA2 protein activity (PMIDs: 33978741 (2021), 32444794 (2020), 30696104 (2019), 29884841 (2019), 29394989 (2018), 29988080 (2018), 25146914 (2014), 23108138 (2013), 21719596 (2011)). Based on the available information, this variant is classified as pathogenic with reduced penetrance.

MGZ Medical Genetics Center
Classification: Pathogenic for Familial cancer of breast. Last evaluated: 2022-04-20. Review status: criteria provided, single submitter. Criteria: ACMG Guidelines, 2015. Collection method: clinical testing. Allele origin: germline. Affected: yes. Observed: 5 variant alleles. Not counted in ClinVar's aggregate classification.
Comment: ACMG criteria applied: PS3, PS4_MOD, PM3, PM2_SUP, PP1, PP3

Fulgent Genetics
Classification: Likely pathogenic for Familial cancer of breast; Medulloblastoma; Familial prostate cancer; Wilms tumor 1; Fanconi anemia complementation group D1; Breast-ovarian cancer, familial, susceptibility to, 2; Glioma susceptibility 3; Pancreatic cancer, susceptibility to, 2. Last evaluated: 2022-02-08. Review status: criteria provided, single submitter. Criteria: ACMG Guidelines, 2015. Collection method: clinical testing. Allele origin: unknown. Not counted in ClinVar's aggregate classification.

Institute of Medical Genetics and Applied Genomics, University Hospital Tübingen
Classification: Pathogenic. Last evaluated: 2020-10-23. Review status: criteria provided, single submitter. Criteria: ACMG Guidelines, 2015. Collection method: clinical testing. Allele origin: germline. Inheritance: Unknown mechanism. Affected: yes. Not counted in ClinVar's aggregate classification.

Women's Health and Genetics/Laboratory Corporation of America, LabCorp
Classification: Pathogenic for Hereditary breast and ovarian cancer syndrome. Last evaluated: 2019-10-28. Review status: criteria provided, single submitter. Criteria: LabCorp Variant Classification Summary - May 2015. Collection method: clinical testing. Allele origin: germline. Inheritance: Autosomal dominant inheritance. Not counted in ClinVar's aggregate classification.
Comment: BRCA2 c.7878G>C (p.Trp2626Cys) results in a non-conservative amino acid change in the helical domain (IPR015252). Five in-silico tools predict a damaging effect. Observed at a frequency of 7.9e-06 in 251676 control chromosomes. Reported in individuals with Hereditary Breast and Ovarian Cancer (PMID's listed) and in trans with another BRCA2 variant (2041insA) in individuals with Fanconi Anemia (PMID's listed and BIC database). Several publications report experimental evidence demonstrating an inability to complement the cell lethal phenotype induced by loss of endogenous mouse BRCA2 (PMID's listed). One expert panel (ENIGMA) and ten clinical diagnostic laboratories have submitted clinical-significance assessments for this variant to ClinVar after 2014. All submitters classified the variant as pathogenic (n=6)/likely pathogenic (n=5). Based on the evidence outlined above, the variant was re-classified as pathogenic.

Laboratory for Molecular Medicine, Mass General Brigham Personalized Medicine
Classification: Pathogenic for Hereditary breast ovarian cancer syndrome. Last evaluated: 2017-07-20. Review status: criteria provided, single submitter. Criteria: LMM Criteria. Collection method: clinical testing. Allele origin: germline. Inheritance: Autosomal dominant inheritance. Observed: 2 variant alleles. Not counted in ClinVar's aggregate classification.
Comment: The p.Trp2626Cys variant in BRCA2 has been reported in >16 individuals with BRCA 2-associated cancers (Han 2006, Petersen 2016, Breast Cancer Information Core). This variant has been identified in 2/66726 of European chromosomes by the Exome Aggregation Consortium (ExAC; dbSNP rs80359013) . However, this frequency is low enough to be consistent with the frequency of h ereditary breast and ovarian cancer (HBOC) in the general population. In vitro f unctional studies provide some evidence that the p.Trp2626Cys may impact protein function (Hendriks 2014). Computational prediction tools and conservation analy sis suggest that the p.Trp2626Cys variant may impact the protein, though this in formation is not predictive enough to determine pathogenicity. In addition, this variant was classified as Pathogenic on Aug 10, 2016 by the ClinGen-approved EN IGMA expert panel (ClinVar SCV000244475.1). In summary, although additional stud ies are required to fully establish its clinical significance, the p.Trp2626Cys variant is likely pathogenic.

Department of Medical Genetics, Oslo University Hospital
Classification: Likely pathogenic for Breast-ovarian cancer, familial, susceptibility to, 2. Last evaluated: 2016-12-16. Review status: criteria provided, single submitter. Criteria: ACMG Guidelines, 2015. Collection method: clinical testing. Allele origin: germline. Affected: yes. Observed: 3 variant alleles. Not counted in ClinVar's aggregate classification.

Consortium of Investigators of Modifiers of BRCA1/2 (CIMBA), c/o University of Cambridge
Classification: Pathogenic for Breast-ovarian cancer, familial, susceptibility to, 2. Last evaluated: 2015-10-02. Review status: criteria provided, single submitter. Criteria: CIMBA Mutation Classification guidelines May 2016. Collection method: clinical testing. Allele origin: germline. Not counted in ClinVar's aggregate classification.

University Health Network, Familial Cancer Clinic, Princess Margaret Cancer Centre
Classification: Pathogenic for BRCA2-related cancer predisposition. Review status: criteria provided, single submitter. Criteria: ACMG Guidelines, 2015. Collection method: clinical testing. Allele origin: germline. Inheritance: Autosomal dominant inheritance. Affected: yes. Observed: 1 variant allele. Not counted in ClinVar's aggregate classification.

CZECANCA consortium
Classification: Pathogenic for Uterine corpus cancer. Last evaluated: 2023-02-21. Review status: no assertion criteria provided. Collection method: clinical testing. Allele origin: germline. Affected: yes. Observed: 1 variant allele. Not counted in ClinVar's aggregate classification.

BRCAlab, Lund University
Classification: Pathogenic for Breast-ovarian cancer, familial, susceptibility to, 2. Last evaluated: 2020-03-02. Review status: no assertion criteria provided. Collection method: clinical testing. Allele origin: germline. Affected: yes. Not counted in ClinVar's aggregate classification.

CZECANCA consortium
Classification: Pathogenic for Breast and/or ovarian cancer. Last evaluated: 2019-06-11. Review status: no assertion criteria provided. Collection method: clinical testing. Allele origin: germline. Affected: yes. Observed: 3 variant alleles. Not counted in ClinVar's aggregate classification.

Counsyl
Classification: Pathogenic for Breast-ovarian cancer, familial, susceptibility to, 2. Last evaluated: 2016-01-15. Review status: no assertion criteria provided. Collection method: clinical testing. Allele origin: unknown. Not counted in ClinVar's aggregate classification.

Institute of Human Genetics, Medical University Innsbruck
Classification: Likely pathogenic for Breast-ovarian cancer, familial 2. Last evaluated: 2015-02-11. Review status: no assertion criteria provided. Criteria: clinical testing. Collection method: clinical testing. Allele origin: germline. Affected: yes. Study: BRCA-Tyrol. Not counted in ClinVar's aggregate classification.
Comment: BRCA-mutation spectrum Western Austria

Sharing Clinical Reports Project (SCRP)
Classification: Likely pathogenic for Breast-ovarian cancer, familial 2. Last evaluated: 2012-12-19. Review status: no assertion criteria provided. Collection method: clinical testing. Allele origin: germline. Not counted in ClinVar's aggregate classification.

Breast Cancer Information Core (BIC) (BRCA2)
Classification: Uncertain significance for Breast-ovarian cancer, familial 2. Last evaluated: 2002-05-29. Review status: no assertion criteria provided. Collection method: clinical testing. Allele origin: germline. Affected: yes. Observed: 13 variant alleles. Not counted in ClinVar's aggregate classification.